The following is an entry in ClinVar:

NM_020975.6(RET):c.1933T>C (p.Ser645Pro)

Gene: RET (ret proto-oncogene; plus strand). Cytogenetic location: 10q11.21.
Variant type: single nucleotide variant.
Coding change: c.1933T>C on transcript NM_020975.6 (MANE Select); coding-DNA position 1933, T replaced by C.
Protein change: p.Ser645Pro; replaces serine 645 with proline.
Molecular consequence: missense variant. On other transcripts: intron variant (4).
Genome position (GRCh38, 1-based): chr10:43,114,533, T>C. VCF-style: chr10-43114533-T-C. GRCh37 (hg19) VCF-style: chr10-43609981-T-C.
Other names: c.1933T>C, p.Ser645Pro (NM_000323.2, NM_001406743.1, NM_001406744.1 and 4 more transcripts); c.1171T>C, p.Ser391Pro (NM_001355216.2); c.1804T>C, p.Ser602Pro (NM_001406761.1, NM_001406762.1, NM_001406764.1); c.1645T>C, p.Ser549Pro (NM_001406766.1, NM_001406767.1, NM_001406770.1); c.1537T>C, p.Ser513Pro (NM_001406769.1, NM_001406772.1); c.1495T>C, p.Ser499Pro (NM_001406771.1, NM_001406773.1); c.1408T>C, p.Ser470Pro (NM_001406774.1); c.1207T>C, p.Ser403Pro (NM_001406775.1, NM_001406776.1, NM_001406777.1 and 1 more transcripts); and 10 more; short protein forms S162P, S210P, S303P, S499P, S250P, S346P, S513P, S549P.
Identifiers: ClinVar variation 2849616 (VCV002849616.3), dbSNP rs2132846393, ClinGen allele CA376552967.

ClinVar aggregate classification (germline): Uncertain significance (1 of 4 stars; one submission).

Conditions:
Multiple endocrine neoplasia, type 2 (MEN2). Identifiers: Orphanet 653, MedGen C4048306, MONDO:0019003. Disease mechanism: gain of function.

Submission:

Labcorp Genetics (formerly Invitae), Labcorp
Classification: Uncertain significance for Multiple endocrine neoplasia, type 2. Last evaluated: 2023-03-26. Review status: criteria provided, single submitter. Criteria: Invitae Variant Classification Sherloc (09022015). Collection method: clinical testing. Allele origin: germline.
Comment: In summary, the available evidence is currently insufficient to determine the role of this variant in disease. Therefore, it has been classified as a Variant of Uncertain Significance. An algorithm developed to predict the effect of missense changes on protein structure and function (PolyPhen-2) suggests that this variant is likely to be tolerated. This variant has not been reported in the literature in individuals affected with RET-related conditions. This variant is not present in population databases (gnomAD no frequency). This sequence change replaces serine, which is neutral and polar, with proline, which is neutral and non-polar, at codon 645 of the RET protein (p.Ser645Pro).